The following is an entry in ClinVar:

NM_002878.4(RAD51D):c.870G>A (p.Arg290=)

Genes: RAD51L3-RFFL (RAD51L3-RFFL readthrough; minus strand), RAD51D (RAD51 paralog D; minus strand). Cytogenetic location: 17q12.
Variant type: single nucleotide variant.
Coding change: c.870G>A on transcript NM_002878.4 (MANE Select); coding-DNA position 870, G replaced by A.
Protein change: p.Arg290=; no amino-acid change (arginine 290 retained).
Molecular consequence: synonymous variant. On other transcripts: non-coding transcript variant (3).
Genome position (GRCh38, 1-based): chr17:35,101,234, C>T on the plus strand (G>A on the coding strand, the complement: RAD51D is on the minus strand). VCF-style: chr17-35101234-C-T. GRCh37 (hg19) VCF-style: chr17-33428253-C-T.
Other names: c.930G>A, p.Arg310= (NM_001142571.2); c.534G>A, p.Arg178= (NM_133629.3).
Identifiers: ClinVar variation 926507 (VCV000926507.12), dbSNP rs2091532491, ClinGen allele CA499728729.
Genomic context (GRCh38, chr17:35,101,234, plus strand): 5'-ACTGGCATCTTCCTGGGGCTGGCTCACCTGTCGGGAAGATTTGGCCAGACACGCCATGCG[C>T]CGGCCGCCTGATGCTCCTGCTCCCTCGATGGTGTCCAGGAGAATCCGAGTGCTGGGCACA-3'
Protein context (NP_002869.3, residues 280-300): TIEGAGASGG[Arg290=]RMACLAKSSR

ClinVar aggregate classification (germline): Benign/Likely benign. Review status: criteria provided, multiple submitters, no conflicts (2 of 4 stars). 4 submissions from 4 submitters: Benign (1); Likely benign (3). Last evaluated 2025-03-23.

Conditions:
Hereditary cancer-predisposing syndrome. Also called: Neoplastic Syndromes, Hereditary; Tumor predisposition; Hereditary Cancer Syndrome; Hereditary neoplastic syndrome. Identifiers: Orphanet 140162, MedGen C0027672, MeSH D009386, MONDO:0015356.
Breast-ovarian cancer, familial, susceptibility to, 4. Identifiers: Orphanet 145, MedGen C3280345, MONDO:0013669, OMIM 614291.

Submissions (4):

Labcorp Genetics (formerly Invitae), Labcorp
Classification: Likely benign for Breast-ovarian cancer, familial, susceptibility to, 4. Last evaluated: 2025-03-23. Review status: criteria provided, single submitter. Criteria: Invitae Variant Classification Sherloc (09022015). Collection method: clinical testing. Allele origin: germline.

Myriad Genetics, Inc.
Classification: Benign for Breast-ovarian cancer, familial, susceptibility to, 4. Last evaluated: 2025-02-25. Review status: criteria provided, single submitter. Criteria: Myriad Autosomal Dominant, Autosomal Recessive and X-Linked Classification Criteria (2023). Collection method: clinical testing. Allele origin: unknown.
Comment: This variant is considered benign. This variant is a silent/synonymous amino acid change and it is not expected to impact splicing.

Ambry Genetics
Classification: Likely benign for Hereditary cancer-predisposing syndrome. Last evaluated: 2023-02-26. Review status: criteria provided, single submitter. Criteria: Ambry Variant Classification Scheme 2023. Collection method: clinical testing. Allele origin: germline.

Color Diagnostics, LLC DBA Color Health
Classification: Likely benign for Hereditary cancer-predisposing syndrome. Last evaluated: 2020-03-21. Review status: criteria provided, single submitter. Criteria: ACMG Guidelines, 2015. Collection method: clinical testing. Allele origin: germline.